The following is an entry in ClinVar:

NM_004360.5(CDH1):c.164-21_288del

Gene: CDH1 (cadherin 1; plus strand). Cytogenetic location: 16q22.1.
Variant type: Deletion.
Coding change: c.164-21_288del on transcript NM_004360.5 (MANE Select); 21 bases into the intron before coding-DNA position 164 through coding-DNA position 288, 146 bases deleted.
Molecular consequence: splice acceptor variant.
Genome position (GRCh38, 1-based): chr16:68,801,649-68,801,794, 146 bases deleted. GRCh37 (hg19): chr16:68,835,552-68,835,697.
Other names: c.-1656-21_-1532del (NM_001317186.2); c.-1452-21_-1328del (NM_001317185.2); c.164-21_288del (NM_001317184.2).
Identifiers: ClinVar variation 2583488 (VCV002583488.2), dbSNP rs2543903698, ClinGen allele CA2582342548.

ClinVar aggregate classification (germline): Likely pathogenic (1 of 4 stars; one submission).

Conditions:
Hereditary diffuse gastric adenocarcinoma (HDGC). Also called: DIFFUSE GASTRIC AND LOBULAR BREAST CANCER SYNDROME. Identifiers: Orphanet 26106, MedGen C1708349, MONDO:0007648, OMIM 137215.

Submission:

Myriad Genetics, Inc.
Classification: Likely pathogenic for Hereditary diffuse gastric adenocarcinoma. Last evaluated: 2023-06-08. Review status: criteria provided, single submitter. Criteria: Myriad Autosomal Dominant, Autosomal Recessive and X-Linked Classification Criteria (2023). Collection method: clinical testing. Allele origin: unknown.
Comment: This variant is considered likely pathogenic. This variant occurs within a consensus splice junction and is predicted to result in abnormal mRNA splicing of either an out-of-frame exon or an in-frame exon necessary for protein stability and/or normal function.